The following is an entry in ClinVar:

ClinVar aggregate classification (germline): Uncertain significance. Review status: criteria provided, multiple submitters, no conflicts (2 of 4 stars). 2 submissions from 2 submitters: Uncertain significance (2). Last evaluated 2024-02-21.

Allele frequency attached by ClinVar (database versions not stated): gnomAD 0.00002; ExAC 0.00003; TOPMed 0.00003.
gnomAD v4.1: 43 of 1,613,548 alleles (0.0027%); highest among the groups gnomAD compares: Middle Eastern, 0.017%; no homozygotes.

Submissions (2):

GeneDx
Classification: Uncertain significance. Last evaluated: 2024-02-21. Review status: criteria provided, single submitter. Criteria: GeneDx Variant Classification Process June 2021. Collection method: clinical testing. Allele origin: germline.
Comment: In silico analysis supports that this missense variant does not alter protein structure/function; Has not been previously published as pathogenic or benign to our knowledge

Revvity Omics, Revvity
Classification: Uncertain significance. Last evaluated: 2019-05-30. Review status: criteria provided, single submitter. Criteria: ACMG Guidelines, 2015. Collection method: clinical testing. Allele origin: germline.

NM_005529.7(HSPG2):c.7709G>A (p.Arg2570His)

Gene: HSPG2 (heparan sulfate proteoglycan 2; minus strand). Cytogenetic location: 1p36.12.
Variant type: single nucleotide variant.
Coding change: c.7709G>A on transcript NM_005529.7 (MANE Select); coding-DNA position 7709, G replaced by A.
Protein change: p.Arg2570His; replaces arginine 2570 with histidine.
Molecular consequence: missense variant.
Genome position (GRCh38, 1-based): chr1:21,848,671, C>T on the plus strand (G>A on the coding strand, the complement: HSPG2 is on the minus strand). VCF-style: chr1-21848671-C-T. GRCh37 (hg19) VCF-style: chr1-22175164-C-T.
Other names: c.7712G>A, p.Arg2571His (NM_001291860.2); short protein forms R2570H, R2571H.
Identifiers: ClinVar variation 2430744 (VCV002430744.4), dbSNP rs762780418, ClinGen allele CA671091.